The following is an entry in ClinVar:

NM_001128840.3(CACNA1D):c.2701G>A (p.Ala901Thr)

Gene: CACNA1D (calcium voltage-gated channel subunit alpha1 D; plus strand). Cytogenetic location: 3p21.1.
Variant type: single nucleotide variant.
Coding change: c.2701G>A on transcript NM_001128840.3 (MANE Select); coding-DNA position 2701, G replaced by A.
Protein change: p.Ala901Thr; replaces alanine 901 with threonine.
Molecular consequence: missense variant.
Genome position (GRCh38, 1-based): chr3:53,735,453, G>A. VCF-style: chr3-53735453-G-A. GRCh37 (hg19) VCF-style: chr3-53769480-G-A.
Other names: c.2761G>A, p.Ala921Thr (NM_000720.4); c.2701G>A, p.Ala901Thr (NM_001128839.3); short protein forms A921T, A901T.
Identifiers: ClinVar variation 4777640 (VCV004777640.1).

ClinVar aggregate classification (germline): Uncertain significance (1 of 4 stars; one submission).

gnomAD v4.1: 7 of 1,614,102 alleles (0.00043%); highest among the groups gnomAD compares: South Asian, 0.0022%; no homozygotes.

Submission:

Labcorp Genetics (formerly Invitae), Labcorp
Classification: Uncertain significance. Last evaluated: 2025-09-14. Review status: criteria provided, single submitter. Criteria: Invitae Variant Classification Sherloc (09022015). Collection method: clinical testing. Allele origin: germline.
Comment: This sequence change replaces alanine, which is neutral and non-polar, with threonine, which is neutral and polar, at codon 921 of the CACNA1D protein (p.Ala921Thr). This variant is present in population databases (rs762188952, gnomAD 0.003%). This variant has not been reported in the literature in individuals affected with CACNA1D-related conditions. Invitae Evidence Modeling of protein sequence and biophysical properties (such as structural, functional, and spatial information, amino acid conservation, physicochemical variation, residue mobility, and thermodynamic stability) indicates that this missense variant is not expected to disrupt CACNA1D protein function with a negative predictive value of 80%. In summary, the available evidence is currently insufficient to determine the role of this variant in disease. Therefore, it has been classified as a Variant of Uncertain Significance.